The following is an entry in ClinVar:

NC_000012.11:g.(?_57534470)_(58190366_?)dup

Genes: AGAP2 (ArfGAP with GTPase domain, ankyrin repeat and PH domain 2; minus strand), ARHGAP9 (Rho GTPase activating protein 9; minus strand), ARHGEF25 (Rho guanine nucleotide exchange factor 25; plus strand), B4GALNT1 (beta-1,4-N-acetyl-galactosaminyltransferase 1; minus strand), CDK4 (cyclin dependent kinase 4; minus strand) and 24 more. Cytogenetic location: 12q13.3-14.1.
Variant type: Duplication.
Identifiers: ClinVar variation 2422308 (VCV002422308.4).

ClinVar aggregate classification (germline): Uncertain significance (1 of 4 stars; one submission).

Conditions:
Familial melanoma. Also called: Hereditary melanoma; Hereditary cutaneous melanoma. Identifiers: Orphanet 618, MedGen C1512419, MONDO:0018961.

Submission:

Labcorp Genetics (formerly Invitae), Labcorp
Classification: Uncertain significance for Familial melanoma. Last evaluated: 2022-10-30. Review status: criteria provided, single submitter. Criteria: Invitae Variant Classification Sherloc (09022015). Collection method: clinical testing. Allele origin: germline.
Comment: A copy number gain of the genomic region encompassing the full coding sequence of the CDK4 gene has been identified. The boundaries of this event are unknown as they extend beyond the assayed region for this gene and therefore may encompass additional genes. As the precise location of this event is unknown, it may be in tandem or it may be located elsewhere in the genome. This variant has not been reported in the literature in individuals affected with CDK4-related conditions. In summary, the available evidence is currently insufficient to determine the role of this variant in disease. Therefore, it has been classified as a Variant of Uncertain Significance.